The following is an entry in ClinVar:

NC_000014.8:g.(?_76429639)_(76455340_?)dup

Genes: IFT43 (intraflagellar transport 43; plus strand), TGFB3 (transforming growth factor beta 3; minus strand). Cytogenetic location: 14q24.3.
Variant type: Duplication.
Identifiers: ClinVar variation 2427154 (VCV002427154.4).

ClinVar aggregate classification (germline): Uncertain significance (1 of 4 stars; one submission).

Submission:

Labcorp Genetics (formerly Invitae), Labcorp
Classification: Uncertain significance. Last evaluated: 2024-01-02. Review status: criteria provided, single submitter. Criteria: Invitae Variant Classification Sherloc (09022015). Collection method: clinical testing. Allele origin: germline.
Comment: This variant results in a copy number gain of the genomic region encompassing exon(s) 1-2 of the IFT43 gene. This region includes the initiator codon of the gene. This copy number gain extends beyond the assayed region for this gene and therefore may encompass additional genes. As the precise location of this event is unknown, it may be in tandem or it may be located elsewhere in the genome. This variant has not been reported in the literature in individuals affected with IFT43-related conditions. In summary, the available evidence is currently insufficient to determine the role of this variant in disease. Therefore, it has been classified as a Variant of Uncertain Significance.